The following is an entry in ClinVar:

ClinVar aggregate classification (germline): Uncertain significance (1 of 4 stars; one submission).

Conditions:
Hereditary cancer-predisposing syndrome. Also called: Hereditary Cancer Syndrome; Neoplastic Syndromes, Hereditary; Tumor predisposition; Hereditary neoplastic syndrome. Identifiers: Orphanet 140162, MedGen C0027672, MeSH D009386, MONDO:0015356.

Submission:

Ambry Genetics
Classification: Uncertain significance for Hereditary cancer-predisposing syndrome. Last evaluated: 2021-11-04. Review status: criteria provided, single submitter. Criteria: Ambry Variant Classification Scheme 2023. Collection method: clinical testing. Allele origin: germline.
Comment: The p.Q1605H variant (also known as c.4815G>T), located in coding exon 36 of the TSC2 gene, results from a G to T substitution at nucleotide position 4815. The glutamine at codon 1605 is replaced by histidine, an amino acid with highly similar properties. This amino acid position is well conserved in available vertebrate species. In addition, this alteration is predicted to be deleterious by in silico analysis. Since supporting evidence is limited at this time, the clinical significance of this alteration remains unclear.

NM_000548.5(TSC2):c.4815G>T (p.Gln1605His)

Gene: TSC2 (TSC complex subunit 2; plus strand). Cytogenetic location: 16p13.3.
Variant type: single nucleotide variant.
Coding change: c.4815G>T on transcript NM_000548.5 (MANE Select); coding-DNA position 4815, G replaced by T.
Protein change: p.Gln1605His; replaces glutamine 1605 with histidine.
Molecular consequence: missense variant.
Genome position (GRCh38, 1-based): chr16:2,086,345, G>T. VCF-style: chr16-2086345-G-T. GRCh37 (hg19) VCF-style: chr16-2136346-G-T.
Other names: c.4614G>T, p.Gln1538His (NM_001077183.3); c.4746G>T, p.Gln1582His (NM_001114382.3); c.4506G>T, p.Gln1502His (NM_001318827.2); c.4470G>T, p.Gln1490His (NM_001318829.2); c.4083G>T, p.Gln1361His (NM_001318831.2); c.4647G>T, p.Gln1549His (NM_001318832.2); c.4617G>T, p.Gln1539His (NM_001363528.2); c.4683G>T, p.Gln1561His (NM_001370404.1); and 26 more; short protein forms Q1361H, Q1405H, Q1501H, Q1534H, Q1562H, Q1004H, Q1090H, Q1339H.
Identifiers: ClinVar variation 1743312 (VCV001743312.2), dbSNP rs2151575480, ClinGen allele CA394308082.